The following is an entry in ClinVar:

ClinVar aggregate classification (germline): Uncertain significance. Review status: criteria provided, multiple submitters, no conflicts (2 of 4 stars). 2 submissions from 2 submitters: Uncertain significance (2). Last evaluated 2025-11-14.

Conditions:
Hereditary pancreatitis (PCTT). Also called: Hereditary chronic pancreatitis; PRSS1-Related Hereditary Pancreatitis. Identifiers: Orphanet 676, MedGen C0238339, MONDO:0008185, OMIM 167800.

Allele frequency attached by ClinVar (database versions not stated): ExAC 0.00006; gnomAD 0.00007 and 0.00009; ESP Exome Variant Server 0.00015.
gnomAD v4.1: 94 of 1,614,028 alleles (0.0058%); highest among the groups gnomAD compares: African/African-American, 0.017%; no homozygotes.

Submissions (2):

Ambry Genetics
Classification: Uncertain significance for Hereditary pancreatitis. Last evaluated: 2025-11-14. Review status: criteria provided, single submitter. Criteria: Ambry Variant Classification Scheme 2023. Collection method: clinical testing. Allele origin: germline.
Comment: The c.40+1G>A intronic variant results from a G to A substitution one nucleotide after coding exon 1 of the PRSS1 gene. This nucleotide position is highly conserved in available vertebrate species. In silico splice site analysis predicts that this alteration will weaken the native splice donor site. Alterations that disrupt the canonical splice site are expected to cause aberrant splicing, resulting in an abnormal protein or a transcript that is subject to nonsense-mediated mRNA decay. However, loss of function has not been established as a mechanism of disease. Based on the available evidence, the clinical significance of this variant remains unclear.

Labcorp Genetics (formerly Invitae), Labcorp
Classification: Uncertain significance for Hereditary pancreatitis. Last evaluated: 2024-07-19. Review status: criteria provided, single submitter. Criteria: Invitae Variant Classification Sherloc (09022015). Collection method: clinical testing. Allele origin: germline.
Comment: This sequence change affects a donor splice site in intron 1 of the PRSS1 gene. It is expected to disrupt RNA splicing. Variants that disrupt the donor or acceptor splice site typically lead to a loss of protein function (PMID: 16199547), however the current clinical and genetic evidence is not sufficient to establish whether loss-of-function variants in PRSS1 cause disease. The frequency data for this variant in the population databases is considered unreliable, as metrics indicate poor data quality at this position in the gnomAD database. Disruption of this splice site has been observed in individual(s) with benign pancreatic hyperenzymemia (BPH) (PMID: 18580441). ClinVar contains an entry for this variant (Variation ID: 1047032). Algorithms developed to predict the effect of sequence changes on RNA splicing suggest that this variant may disrupt the consensus splice site. In summary, the available evidence is currently insufficient to determine the role of this variant in disease. Therefore, it has been classified as a Variant of Uncertain Significance.

Literature cited by the submitters: PubMed 24458023 (cited by Ambry Genetics); PubMed 16199547 (cited by Labcorp Genetics (formerly Invitae), Labcorp); PubMed 18580441 (cited by Labcorp Genetics (formerly Invitae), Labcorp).

NM_002769.5(PRSS1):c.40+1G>A

Genes: TRB (T cell receptor beta locus; plus strand), PRSS1 (serine protease 1; plus strand). Cytogenetic location: 7q34.
Variant type: single nucleotide variant.
Coding change: c.40+1G>A on transcript NM_002769.5 (MANE Select); the canonical splice donor site of the intron after coding-DNA position 40, G replaced by A.
Molecular consequence: splice donor variant.
Genome position (GRCh38, 1-based): chr7:142,749,525, G>A. VCF-style: chr7-142749525-G-A. GRCh37 (hg19) VCF-style: chr7-142457376-G-A.
Identifiers: ClinVar variation 1047032 (VCV001047032.12), dbSNP rs149125789, ClinGen allele CA4529594.
Genomic context (GRCh38, chr7:142,749,525, plus strand): 5'-GTCAGGCACACTCTACCACCATGAATCCACTCCTGATCCTTACCTTTGTGGCAGCTGCTC[G>A]TGAGTATCATGCCCTGCCTCAGGCCCCAACCACCCCCCCGTTCCTGGCCGACAAATGCCC-3'